The following is an entry in ClinVar:

ClinVar aggregate classification (germline): Uncertain significance (1 of 4 stars; one submission).

Conditions:
Hereditary cancer-predisposing syndrome. Also called: Neoplastic Syndromes, Hereditary; Tumor predisposition; Hereditary Cancer Syndrome; Hereditary neoplastic syndrome. Identifiers: Orphanet 140162, MedGen C0027672, MeSH D009386, MONDO:0015356.

Submission:

Ambry Genetics
Classification: Uncertain significance for Hereditary cancer-predisposing syndrome. Last evaluated: 2026-05-14. Review status: criteria provided, single submitter. Criteria: Ambry Variant Classification Scheme 2023. Collection method: clinical testing. Allele origin: germline.
Comment: The p.F1684C variant (also known as c.5051T>G), located in coding exon 15 of the APC gene, results from a T to G substitution at nucleotide position 5051. The phenylalanine at codon 1684 is replaced by cysteine, an amino acid with highly dissimilar properties. This amino acid position is conserved. In addition, in silico predictors for this gene do not accurately predict pathogenicity. Based on the available evidence, the clinical significance of this variant remains unclear.

NM_000038.6(APC):c.5051T>G (p.Phe1684Cys)

Gene: APC (APC regulator of Wnt signaling pathway; plus strand). Cytogenetic location: 5q22.2.
Variant type: single nucleotide variant.
Coding change: c.5051T>G on transcript NM_000038.6 (MANE Select); coding-DNA position 5051, T replaced by G.
Protein change: p.Phe1684Cys; replaces phenylalanine 1684 with cysteine.
Molecular consequence: missense variant. On other transcripts: non-coding transcript variant (2).
Genome position (GRCh38, 1-based): chr5:112,840,645, T>G. VCF-style: chr5-112840645-T-G. GRCh37 (hg19) VCF-style: chr5-112176342-T-G.
Other names: c.5021T>G, p.Phe1674Cys (NM_001407452.1); c.4874T>G, p.Phe1625Cys (NM_001407453.1, NM_001354901.2); c.4802T>G, p.Phe1601Cys (NM_001407454.1, NM_001407455.1, NM_001407456.1 and 1 more transcripts); c.4748T>G, p.Phe1583Cys (NM_001407458.1, NM_001407459.1, NM_001407460.1 and 1 more transcripts); c.4664T>G, p.Phe1555Cys (NM_001407467.1, NM_001407469.1); c.4202T>G, p.Phe1401Cys (NM_001407470.1, NM_001354906.2); c.3899T>G, p.Phe1300Cys (NM_001407471.1, NM_001407472.1); c.5051T>G, p.Phe1684Cys (NM_001127510.3, NM_001354895.2, NM_001407450.1); and 11 more; short protein forms F1300C, F1401C, F1524C, F1555C, F1558C, F1583C, F1593C, F1601C.
Identifiers: ClinVar variation 4861562 (VCV004861562.1).